The following is an entry in ClinVar:

ClinVar aggregate classification (germline): Uncertain significance (1 of 4 stars; one submission).

gnomAD v4.1: 28 of 1,613,908 alleles (0.0017%); highest among the groups gnomAD compares: Non-Finnish European, 0.0023%; no homozygotes.

Submission:

GeneDx
Classification: Uncertain significance. Last evaluated: 2025-02-18. Review status: criteria provided, single submitter. Criteria: GeneDx Variant Classification Process June 2021. Collection method: clinical testing. Allele origin: germline. Affected: yes.
Comment: In silico analysis indicates that this missense variant does not alter protein structure/function; Has not been previously published as pathogenic or benign to our knowledge

NM_020987.5(ANK3):c.8458G>A (p.Ala2820Thr)

Gene: ANK3 (ankyrin 3; minus strand). Cytogenetic location: 10q21.2.
Variant type: single nucleotide variant.
Coding change: c.8458G>A on transcript NM_020987.5 (MANE Select); coding-DNA position 8458, G replaced by A.
Protein change: p.Ala2820Thr; replaces alanine 2820 with threonine.
Molecular consequence: missense variant. On other transcripts: intron variant (4).
Genome position (GRCh38, 1-based): chr10:60,072,423, C>T on the plus strand (G>A on the coding strand, the complement: ANK3 is on the minus strand). VCF-style: chr10-60072423-C-T. GRCh37 (hg19) VCF-style: chr10-61832181-C-T.
Other names: c.4388-4414G>A (NM_001204403.2); c.4409-4414G>A (NM_001204404.2); c.4406-4414G>A (NM_001320874.2); c.1808-4414G>A (NM_001149.4); short protein forms A2820T.
Identifiers: ClinVar variation 4075669 (VCV004075669.1).
Genomic context (GRCh38, chr10:60,072,423, plus strand): 5'-CTGAGGTTATATGACATGCCAAGTCTTTAGCCTGCTGCTCAGAAAAAGAGTCAGGCATTG[C>T]TTTACTTGACATTTCAGTTCTCTGTTTTTTCACATTATCAGAGCCAGAATCATTTACAAC-3'
Protein context (NP_066267.2, residues 2810-2830): KKQRTEMSSK[Ala2820Thr]MPDSFSEQQA